The following is an entry in ClinVar:

NM_004183.4(BEST1):c.665G>T (p.Gly222Val)

Gene: BEST1 (bestrophin 1; plus strand). Cytogenetic location: 11q12.3.
Variant type: single nucleotide variant.
Coding change: c.665G>T on transcript NM_004183.4 (MANE Select); coding-DNA position 665, G replaced by T.
Protein change: p.Gly222Val; replaces glycine 222 with valine.
Molecular consequence: missense variant. On other transcripts: non-coding transcript variant (1).
Genome position (GRCh38, 1-based): chr11:61,957,415, G>T. VCF-style: chr11-61957415-G-T. GRCh37 (hg19) VCF-style: chr11-61724887-G-T.
Other names: c.485G>T, p.Gly162Val (NM_001139443.3, NM_001300786.2, NM_001300787.2); c.347G>T, p.Gly116Val (NM_001363591.3); c.665G>T, p.Gly222Val (NM_001363592.2); c.-511G>T (NM_001363593.3); short protein forms G222V, G162V, G116V.
Identifiers: ClinVar variation 99739 (VCV000099739.11), dbSNP rs281865241, ClinGen allele CA227800.

ClinVar aggregate classification (germline): Pathogenic/Likely pathogenic. Review status: criteria provided, multiple submitters, no conflicts (2 of 4 stars). 4 submissions from 4 submitters: Pathogenic (1); Likely pathogenic (1). 2 of the submissions do not count toward it. Last evaluated 2021-09-15.

Conditions:
Vitelliform macular dystrophy 2. Also called: Best Macular Dystrophy; Best vitelliform macular dystrophy, multifocal; MACULAR DEGENERATION, POLYMORPHIC VITELLINE; VITELLIFORM MACULAR DYSTROPHY, EARLY-ONSET; VITELLIFORM MACULAR DYSTROPHY, JUVENILE-ONSET; Best Vitelliform Macular Dystrophy (BVMD). Identifiers: Orphanet 1243, MedGen C2745945, MONDO:0007931, OMIM 153700.

Submissions (4):

Institute of Medical Genetics and Applied Genomics, University Hospital Tübingen
Classification: Pathogenic. Last evaluated: 2021-09-15. Review status: criteria provided, single submitter. Criteria: ACMG Guidelines, 2015. Collection method: clinical testing. Allele origin: germline. Inheritance: Autosomal dominant inheritance. Affected: yes.

Labcorp Genetics (formerly Invitae), Labcorp
Classification: Likely pathogenic. Last evaluated: 2021-03-12. Review status: criteria provided, single submitter. Criteria: Invitae Variant Classification Sherloc (09022015). Collection method: clinical testing. Allele origin: germline.
Comment: This sequence change replaces glycine with valine at codon 222 of the BEST1 protein (p.Gly222Val). The glycine residue is highly conserved and there is a moderate physicochemical difference between glycine and valine. This variant is not present in population databases (ExAC no frequency). In summary, the currently available evidence indicates that the variant is pathogenic, but additional data are needed to prove that conclusively. Therefore, this variant has been classified as Likely Pathogenic. Advanced modeling of protein sequence and biophysical properties (such as structural, functional, and spatial information, amino acid conservation, physicochemical variation, residue mobility, and thermodynamic stability) performed at Invitae indicates that this missense variant is expected to disrupt BEST1 protein function. This variant has been observed in individual(s) with autosomal recessive bestrophinopathy (PMID: 10766140, 28559085). This variant has also been reported in individual(s) with autosomal dominant Best vitelliform macular dystrophy (PMID: 30498755, Invitae); however, the role of the variant in this condition is currently unclear. This gene is also known as VMD2. ClinVar contains an entry for this variant (Variation ID: 99739).

Sharon lab, Hadassah-Hebrew University Medical Center
Classification: Pathogenic for Best disease. Last evaluated: 2019-06-23. Review status: no assertion criteria provided. Collection method: research. Allele origin: inherited. Affected: yes. Not counted in ClinVar's aggregate classification.

Retina International
No classification provided. Review status: no classification provided. Collection method: not provided. Allele origin: not provided. Not counted in ClinVar's aggregate classification.

Literature cited by the submitters: PubMed 10766140 (cited by Labcorp Genetics (formerly Invitae), Labcorp); PubMed 28559085 (cited by Labcorp Genetics (formerly Invitae), Labcorp); PubMed 30498755 (cited by Labcorp Genetics (formerly Invitae), Labcorp).